The following is an entry in ClinVar:

ClinVar aggregate classification (germline): Uncertain significance (1 of 4 stars; one submission).

Conditions:
GLUT1 deficiency syndrome 1, autosomal recessive. Identifiers: MedGen C3149117.

Allele frequency attached by ClinVar (database versions not stated): ExAC 0.00001; TOPMed 0.00001.
gnomAD v4.1: 3 of 1,601,326 alleles (0.00019%); highest among the groups gnomAD compares: African/African-American, 0.0027%; no homozygotes.

Submission:

Labcorp Genetics (formerly Invitae), Labcorp
Classification: Uncertain significance for GLUT1 deficiency syndrome 1, autosomal recessive. Last evaluated: 2023-09-26. Review status: criteria provided, single submitter. Criteria: Invitae Variant Classification Sherloc (09022015). Collection method: clinical testing. Allele origin: germline.
Comment: This sequence change falls in intron 3 of the SLC2A1 gene. It does not directly change the encoded amino acid sequence of the SLC2A1 protein. This variant is present in population databases (rs746049837, gnomAD 0.007%). This variant has not been reported in the literature in individuals affected with SLC2A1-related conditions. Algorithms developed to predict the effect of sequence changes on RNA splicing suggest that this variant may create or strengthen a splice site. In summary, the available evidence is currently insufficient to determine the role of this variant in disease. Therefore, it has been classified as a Variant of Uncertain Significance.

NM_006516.4(SLC2A1):c.276-10C>G

Gene: SLC2A1 (solute carrier family 2 member 1; minus strand). Cytogenetic location: 1p34.2.
Variant type: single nucleotide variant.
Coding change: c.276-10C>G on transcript NM_006516.4 (MANE Select); 10 bases into the intron before coding-DNA position 276, C replaced by G.
Molecular consequence: intron variant.
Genome position (GRCh38, 1-based): chr1:42,930,876, G>C on the plus strand (C>G on the coding strand, the complement: SLC2A1 is on the minus strand). VCF-style: chr1-42930876-G-C. GRCh37 (hg19) VCF-style: chr1-43396547-G-C.
Identifiers: ClinVar variation 2776626 (VCV002776626.3), dbSNP rs746049837, ClinGen allele CA803569.
Genomic context (GRCh38, chr1:42,930,876, plus strand): 5'-AGCACGGCGGACACGAAGGCCAGCAGGTTCATCATCAGCATTGAATTCCGCCTGGGGACG[G>C]GGTCACAGGTCAGGCCAGTGCCCACATTCCTTGGGCTCCGAGGGGCTGGGTCAGAGGTAA-3'